The following is an entry in ClinVar:

ClinVar aggregate classification (germline): Benign (1 of 4 stars; one submission).

Allele frequency attached by ClinVar (database versions not stated): gnomAD 0.39228 and 0.39398; TOPMed 0.39949; 1000 Genomes Project 0.46146; 1000 Genomes Project 30x 0.46330.
gnomAD v4.1: 59,705 of 151,554 alleles (39%); highest among the groups gnomAD compares: African/African-American, 55%; 12,668 homozygotes.

Submission:

GeneDx
Classification: Benign. Last evaluated: 2018-06-19. Review status: criteria provided, single submitter. Criteria: GeneDx Variant Classification (06012015). Collection method: clinical testing. Allele origin: germline. Affected: yes.
Comment: This variant is considered likely benign or benign based on one or more of the following criteria: it is a conservative change, it occurs at a poorly conserved position in the protein, it is predicted to be benign by multiple in silico algorithms, and/or has population frequency not consistent with disease.

NM_001130987.2(DYSF):c.3229-306G>A

Gene: DYSF (dysferlin; plus strand). Cytogenetic location: 2p13.2.
Variant type: single nucleotide variant.
Coding change: c.3229-306G>A on transcript NM_001130987.2 (MANE Select); 306 bases into the intron before coding-DNA position 3229, G replaced by A.
Molecular consequence: intron variant.
Genome position (GRCh38, 1-based): chr2:71,573,892, G>A. VCF-style: chr2-71573892-G-A. GRCh37 (hg19) VCF-style: chr2-71801022-G-A.
Other names: c.3268-306G>A (NM_001130979.2); c.3226-306G>A (NM_001130981.2, NM_001130980.2); c.3175-306G>A (NM_001130978.2, NM_003494.4); c.3133-306G>A (NM_001130977.2, NM_001130976.2); c.3271-306G>A (NM_001130982.2); c.3229-306G>A (NM_001130985.2); c.3178-306G>A (NM_001130983.2, NM_001130455.2); c.3136-306G>A (NM_001130984.2, NM_001130986.2).
Identifiers: ClinVar variation 668125 (VCV000668125.1), dbSNP rs12328124, ClinGen allele CA16101843.